The following is an entry in ClinVar:

ClinVar aggregate classification (germline): Uncertain significance. Review status: criteria provided, multiple submitters, no conflicts (2 of 4 stars). 2 submissions from 2 submitters: Uncertain significance (2). Last evaluated 2021-08-24.

Conditions:
Tay-Sachs disease (TSD). Also called: HEXA Disorders; HEXA DEFICIENCY; GM2 gangliosidosis, type 1; Hexosaminidase alpha-subunit deficiency (variant B); Sphingolipidosis, Tay-Sachs; Hexosaminidase A Deficiency. Identifiers: Orphanet 845, MedGen C0039373, MONDO:0010100, OMIM 272800.

Allele frequency attached by ClinVar (database versions not stated): gnomAD 0.00001; ExAC 0.00002; gnomAD exomes 0.00002; 1000 Genomes Project 30x 0.00016; 1000 Genomes Project 0.00020.

Submissions (2):

Labcorp Genetics (formerly Invitae), Labcorp
Classification: Uncertain significance for Tay-Sachs disease. Last evaluated: 2021-08-24. Review status: criteria provided, single submitter. Criteria: Invitae Variant Classification Sherloc (09022015). Collection method: clinical testing. Allele origin: germline.
Comment: This sequence change replaces valine with isoleucine at codon 206 of the HEXA protein (p.Val206Ile). The valine residue is highly conserved and there is a small physicochemical difference between valine and isoleucine. This variant is present in population databases (rs543071358, ExAC 0.02%). This variant has not been reported in the literature in individuals affected with HEXA-related conditions. Algorithms developed to predict the effect of missense changes on protein structure and function are either unavailable or do not agree on the potential impact of this missense change (SIFT: "Deleterious"; PolyPhen-2: "Probably Damaging"; Align-GVGD: "Class C0"). In summary, the available evidence is currently insufficient to determine the role of this variant in disease. Therefore, it has been classified as a Variant of Uncertain Significance.

Genome-Nilou Lab
Classification: Uncertain significance for Tay-Sachs disease. Last evaluated: 2021-07-22. Review status: criteria provided, single submitter. Criteria: ACMG Guidelines, 2015. Collection method: clinical testing. Allele origin: germline. Affected: no.

NM_000520.6(HEXA):c.616G>A (p.Val206Ile)

Gene: HEXA (hexosaminidase subunit alpha; minus strand). Cytogenetic location: 15q23.
Variant type: single nucleotide variant.
Coding change: c.616G>A on transcript NM_000520.6 (MANE Select); coding-DNA position 616, G replaced by A.
Protein change: p.Val206Ile; replaces valine 206 with isoleucine.
Molecular consequence: missense variant. On other transcripts: non-coding transcript variant (1).
Genome position (GRCh38, 1-based): chr15:72,351,189, C>T on the plus strand (G>A on the coding strand, the complement: HEXA is on the minus strand). VCF-style: chr15-72351189-C-T. GRCh37 (hg19) VCF-style: chr15-72643530-C-T.
Other names: c.649G>A, p.Val217Ile (NM_001318825.2); short protein forms V206I, V217I.
Identifiers: ClinVar variation 1210422 (VCV001210422.8), dbSNP rs543071358, ClinGen allele CA7644945.